The following is an entry in ClinVar:

ClinVar aggregate classification (germline): Benign (1 of 4 stars; one submission).

Allele frequency attached by ClinVar (database versions not stated): gnomAD 0.18085 and 0.18383; 1000 Genomes Project 0.19589; TOPMed 0.19783; 1000 Genomes Project 30x 0.19800.
gnomAD v4.1: 27,870 of 152,142 alleles (18%); highest among the groups gnomAD compares: Admixed American, 33%; 2,963 homozygotes.

Submission:

GeneDx
Classification: Benign. Last evaluated: 2018-06-14. Review status: criteria provided, single submitter. Criteria: GeneDx Variant Classification (06012015). Collection method: clinical testing. Allele origin: germline. Affected: yes.
Comment: This variant is considered likely benign or benign based on one or more of the following criteria: it is a conservative change, it occurs at a poorly conserved position in the protein, it is predicted to be benign by multiple in silico algorithms, and/or has population frequency not consistent with disease.

NM_024537.4(CARS2):c.572-248G>T

Gene: CARS2 (cysteinyl-tRNA synthetase 2, mitochondrial; minus strand). Cytogenetic location: 13q34.
Variant type: single nucleotide variant.
Coding change: c.572-248G>T on transcript NM_024537.4 (MANE Select); 248 bases into the intron before coding-DNA position 572, G replaced by T.
Molecular consequence: intron variant.
Genome position (GRCh38, 1-based): chr13:110,683,382, C>A on the plus strand (G>T on the coding strand, the complement: CARS2 is on the minus strand). VCF-style: chr13-110683382-C-A. GRCh37 (hg19) VCF-style: chr13-111335729-C-A.
Other names: c.-215-248G>T (NM_001352252.2); c.572-248G>T (NM_001352253.3).
Identifiers: ClinVar variation 683448 (VCV000683448.1), dbSNP rs718341, ClinGen allele CA15780946.